The following is an entry in ClinVar:

NM_001377.3(DYNC2H1):c.2612T>C (p.Leu871Pro)

Gene: DYNC2H1 (dynein cytoplasmic 2 heavy chain 1; plus strand). Cytogenetic location: 11q22.3.
Variant type: single nucleotide variant.
Coding change: c.2612T>C on transcript NM_001377.3 (MANE Select); coding-DNA position 2612, T replaced by C.
Protein change: p.Leu871Pro; replaces leucine 871 with proline.
Molecular consequence: missense variant.
Genome position (GRCh38, 1-based): chr11:103,143,305, T>C. VCF-style: chr11-103143305-T-C. GRCh37 (hg19) VCF-style: chr11-103014034-T-C.
Other names: c.2612T>C, p.Leu871Pro (NM_001080463.2); short protein forms L871P.
Identifiers: ClinVar variation 2735736 (VCV002735736.4), dbSNP rs2496974332, ClinGen allele CA382263478.
Genomic context (GRCh38, chr11:103,143,305, plus strand): 5'-ACATTTTTTCTTTCTTTAAATAGGAATGGATTGTAATTGGGCAAGTTGATATGGAAGCTC[T>C]GGTGGAAAAGCATCTTTTTACTGTACATGATTGGGAGAAAAATTTTAAAGCATTAAAAAT-3'
Protein context (NP_001368.2, residues 861-881): IVIGQVDMEA[Leu871Pro]VEKHLFTVHD

ClinVar aggregate classification (germline): Conflicting classifications of pathogenicity. Review status: criteria provided, conflicting classifications (1 of 4 stars). 2 submissions from 2 submitters: Likely pathogenic (1); Uncertain significance (1). Last evaluated 2026-01-23.

Conditions:
Jeune thoracic dystrophy. Also called: Jeune syndrome; Infantile thoracic dystrophy; Thoracic pelvic phalangeal dystrophy; Jeune's syndrome; Chondroectodermal dysplasia-like syndrome; Short-rib thoracic dysplasia. Identifiers: Orphanet 474, MedGen C0265275, MONDO:0018770.
Asphyxiating thoracic dystrophy 3. Also called: SHORT-RIB THORACIC DYSPLASIA 3/6 WITH POLYDACTYLY, DIGENIC; SHORT-RIB THORACIC DYSPLASIA 3 WITH OR WITHOUT POLYDACTYLY; POLYDACTYLY WITH NEONATAL CHONDRODYSTROPHY, TYPE I; Short rib polydactyly syndrome 2B; Saldino-Noonan Syndrome. Identifiers: Orphanet 474, Orphanet 93269, Orphanet 93270, Orphanet 93271, MedGen C0036069, MONDO:0013127, OMIM 613091.

Allele frequency attached by ClinVar (database versions not stated): gnomAD exomes below 0.00001.

Submissions (2):

Myriad Genetics, Inc.
Classification: Uncertain significance for Asphyxiating thoracic dystrophy 3. Last evaluated: 2026-01-23. Review status: criteria provided, single submitter. Criteria: Myriad Autosomal Dominant, Autosomal Recessive and X-Linked Classification Criteria (2023). Collection method: clinical testing. Allele origin: unknown.
Comment: NM_001377.2(DYNC2H1):c.2612T>C(L871P) is a missense variant classified as a variant of uncertain significance in the context of DYNC2H1-related disorders. L871P has been observed in a case with relevant disease (PMID: 23456818). Relevant functional assessments of this variant are not available in the literature. L871P has not been observed in referenced population frequency databases. In summary, there is insufficient evidence to classify NM_001377.2(DYNC2H1):c.2612T>C(L871P) as pathogenic or benign. Please note: this variant was assessed in the context of healthy population screening.

Labcorp Genetics (formerly Invitae), Labcorp
Classification: Likely pathogenic for Jeune thoracic dystrophy. Last evaluated: 2023-09-27. Review status: criteria provided, single submitter. Criteria: Invitae Variant Classification Sherloc (09022015). Collection method: clinical testing. Allele origin: germline.
Comment: This missense change has been observed in individual(s) with asphyxiating thoracic dystrophy (PMID: 23456818). It has also been observed to segregate with disease in related individuals. In summary, the currently available evidence indicates that the variant is pathogenic, but additional data are needed to prove that conclusively. Therefore, this variant has been classified as Likely Pathogenic. Advanced modeling of protein sequence and biophysical properties (such as structural, functional, and spatial information, amino acid conservation, physicochemical variation, residue mobility, and thermodynamic stability) performed at Invitae indicates that this missense variant is expected to disrupt DYNC2H1 protein function. This variant is not present in population databases (gnomAD no frequency). This sequence change replaces leucine, which is neutral and non-polar, with proline, which is neutral and non-polar, at codon 871 of the DYNC2H1 protein (p.Leu871Pro).

Literature cited by the submitters: PubMed 23456818 (cited by Myriad Genetics, Inc. and Labcorp Genetics (formerly Invitae), Labcorp).